The following is an entry in ClinVar:

ClinVar aggregate classification (germline): Pathogenic (1 of 4 stars; one submission).

Conditions:
Alpha-N-acetylgalactosaminidase deficiency. Identifiers: Orphanet 3137, MedGen C5848084, MONDO:0017779.

Submission:

Myriad Genetics, Inc.
Classification: Pathogenic for Alpha-N-acetylgalactosaminidase deficiency. Last evaluated: 2026-05-24. Review status: criteria provided, single submitter. Criteria: Myriad Autosomal Dominant, Autosomal Recessive and X-Linked Classification Criteria (2023). Collection method: clinical testing. Allele origin: unknown.
Comment: NM_000262.2(NAGA):c.700G>T(E234*) is expected to be pathogenic in the context of NAGA-related disorders. This variant is predicted to lead to an abnormal or absent protein product due to the creation of a premature termination codon in NAGA, a gene where loss-of-function variants are known to be pathogenic. Please note: this variant was assessed in the context of healthy population screening.

NM_000262.3(NAGA):c.700G>T (p.Glu234Ter)

Gene: NAGA (alpha-N-acetylgalactosaminidase; minus strand). Cytogenetic location: 22q13.2.
Variant type: single nucleotide variant.
Coding change: c.700G>T on transcript NM_000262.3 (MANE Select); coding-DNA position 700, G replaced by T.
Protein change: p.Glu234Ter; replaces glutamic acid 234 with a stop codon.
Molecular consequence: nonsense.
Genome position (GRCh38, 1-based): chr22:42,065,797, C>A on the plus strand (G>T on the coding strand, the complement: NAGA is on the minus strand). VCF-style: chr22-42065797-C-A. GRCh37 (hg19) VCF-style: chr22-42461801-C-A.
Other names: c.700G>T, p.Glu234Ter (NM_001362848.1, NM_001362850.1); short protein forms E234*.
Identifiers: ClinVar variation 5015949 (VCV005015949.1).
Genomic context (GRCh38, chr22:42,065,797, plus strand): 5'-CCATGTCAGGGTCATTCCAGTGCCCAGGGCCGGCCACTGGCTGCAGTATGTCCTGGTGCT[C>A]CACGAACCAATTCAGGATGGAGAGCACGCTCCACCAGGAGTCCTGGATGTCATCATAGTT-3'